The following is an entry in ClinVar:

NM_002335.4(LRP5):c.2314A>G (p.Lys772Glu)

Gene: LRP5 (LDL receptor related protein 5; plus strand). Cytogenetic location: 11q13.2.
Variant type: single nucleotide variant.
Coding change: c.2314A>G on transcript NM_002335.4 (MANE Select); coding-DNA position 2314, A replaced by G.
Protein change: p.Lys772Glu; replaces lysine 772 with glutamic acid.
Molecular consequence: missense variant.
Genome position (GRCh38, 1-based): chr11:68,410,136, A>G. VCF-style: chr11-68410136-A-G. GRCh37 (hg19) VCF-style: chr11-68177604-A-G.
Other names: c.571A>G, p.Lys191Glu (NM_001291902.2); short protein forms K191E, K772E.
Identifiers: ClinVar variation 4800456 (VCV004800456.1).

ClinVar aggregate classification (germline): Uncertain significance (1 of 4 stars; one submission).

gnomAD v4.1: 2 of 1,613,396 alleles (0.00012%); highest among the groups gnomAD compares: Non-Finnish European, 0.00017%; no homozygotes.

Submission:

Labcorp Genetics (formerly Invitae), Labcorp
Classification: Uncertain significance. Last evaluated: 2025-08-26. Review status: criteria provided, single submitter. Criteria: Invitae Variant Classification Sherloc (09022015). Collection method: clinical testing. Allele origin: germline.
Comment: This sequence change replaces lysine, which is basic and polar, with glutamic acid, which is acidic and polar, at codon 772 of the LRP5 protein (p.Lys772Glu). This variant is not present in population databases (gnomAD no frequency). This variant has not been reported in the literature in individuals affected with LRP5-related conditions. Invitae Evidence Modeling of protein sequence and biophysical properties (such as structural, functional, and spatial information, amino acid conservation, physicochemical variation, residue mobility, and thermodynamic stability) indicates that this missense variant is not expected to disrupt LRP5 protein function with a negative predictive value of 95%. In summary, the available evidence is currently insufficient to determine the role of this variant in disease. Therefore, it has been classified as a Variant of Uncertain Significance.